The following is an entry in ClinVar:

NM_016151.4(TAOK2):c.22G>A (p.Gly8Arg)

Gene: TAOK2 (TAO kinase 2; plus strand). Cytogenetic location: 16p11.2.
Variant type: single nucleotide variant.
Coding change: c.22G>A on transcript NM_016151.4 (MANE Select); coding-DNA position 22, G replaced by A.
Protein change: p.Gly8Arg; replaces glycine 8 with arginine.
Molecular consequence: missense variant.
Genome position (GRCh38, 1-based): chr16:29,977,794, G>A. VCF-style: chr16-29977794-G-A. GRCh37 (hg19) VCF-style: chr16-29989115-G-A.
Other names: c.22G>A, p.Gly8Arg (NM_001252043.2, NM_004783.4); c.22G>A (NM_016151.2); short protein forms G8R.
Identifiers: ClinVar variation 1919875 (VCV001919875.7), dbSNP rs755972701, ClinGen allele CA7997695.

ClinVar aggregate classification (germline): Uncertain significance. Review status: criteria provided, multiple submitters, no conflicts (2 of 4 stars). 2 submissions from 2 submitters: Uncertain significance (2). Last evaluated 2025-12-04.

Allele frequency attached by ClinVar (database versions not stated): gnomAD exomes 0.00002; ExAC 0.00004; TOPMed 0.00006; gnomAD 0.00007.
gnomAD v4.1: 47 of 1,614,036 alleles (0.0029%); highest among the groups gnomAD compares: African/African-American, 0.017%; no homozygotes.

Submissions (2):

Ambry Genetics
Classification: Uncertain significance. Last evaluated: 2025-12-04. Review status: criteria provided, single submitter. Criteria: Ambry Variant Classification Scheme 2023. Collection method: clinical testing. Allele origin: germline.

Labcorp Genetics (formerly Invitae), Labcorp
Classification: Uncertain significance. Last evaluated: 2025-10-11. Review status: criteria provided, single submitter. Criteria: Invitae Variant Classification Sherloc (09022015). Collection method: clinical testing. Allele origin: germline.
Comment: This sequence change replaces glycine, which is neutral and non-polar, with arginine, which is basic and polar, at codon 8 of the TAOK2 protein (p.Gly8Arg). This variant is present in population databases (rs755972701, gnomAD 0.02%). This variant has not been reported in the literature in individuals affected with TAOK2-related conditions. ClinVar contains an entry for this variant (Variation ID: 1919875). An algorithm developed to predict the effect of missense changes on protein structure and function (PolyPhen-2) suggests that this variant is likely to be disruptive. In summary, the available evidence is currently insufficient to determine the role of this variant in disease. Therefore, it has been classified as a Variant of Uncertain Significance.